The following is an entry in ClinVar:

ClinVar aggregate classification (germline): Benign/Likely benign. Review status: criteria provided, multiple submitters, no conflicts (2 of 4 stars). 12 submissions from 12 submitters: Benign (10); Likely benign (1). 1 of the submissions does not count toward it. Last evaluated 2024-11-28.

Conditions:
Hyper-IgM syndrome type 3. Also called: Hyper-IgM Immunodeficiency Syndrome, Type 3. Identifiers: Orphanet 101090, MedGen C1720957, MONDO:0011735, OMIM 606843.

Allele frequency attached by ClinVar (database versions not stated): gnomAD exomes 0.74785 and 0.75038; ExAC 0.75273; 1000 Genomes Project 0.77117; 1000 Genomes Project 30x 0.77701; gnomAD 0.79276 and 0.79882; TOPMed 0.80274; ESP Exome Variant Server 0.80301.
gnomAD v4.1: 1,216,361 of 1,613,190 alleles (75%); highest among the groups gnomAD compares: African/African-American, 94%; 461,294 homozygotes.

Submissions (12):

Blueprint Genetics
Classification: Likely benign. Last evaluated: 2024-11-28. Review status: criteria provided, single submitter. Criteria: ACMG Guidelines, 2015. Collection method: clinical testing. Allele origin: germline.

Labcorp Genetics (formerly Invitae), Labcorp
Classification: Benign. Last evaluated: 2024-04-22. Review status: criteria provided, single submitter. Criteria: Invitae Variant Classification Sherloc (09022015). Collection method: clinical testing. Allele origin: germline.

Unidad de Genómica Garrahan, Hospital de Pediatría Garrahan
Classification: Benign. Last evaluated: 2024-01-24. Review status: criteria provided, single submitter. Criteria: ACMG Guidelines, 2015. Collection method: clinical testing. Allele origin: germline. Affected: no. Observed: 90 variant alleles.
Comment: This variant is classified as Benign based on local population frequency. This variant was detected in 95% of patients studied by a panel of primary immunodeficiencies. Number of patients: 90. Only high quality variants are reported.

Genome-Nilou Lab
Classification: Benign for Hyper-IgM syndrome type 3. Last evaluated: 2021-07-14. Review status: criteria provided, single submitter. Criteria: ACMG Guidelines, 2015. Collection method: clinical testing. Allele origin: germline. Affected: no.

Women's Health and Genetics/Laboratory Corporation of America, LabCorp
Classification: Benign. Last evaluated: 2020-07-07. Review status: criteria provided, single submitter. Criteria: LabCorp Variant Classification Summary - May 2015. Collection method: clinical testing. Allele origin: germline.

Illumina Laboratory Services, Illumina
Classification: Benign for Hyper-IgM syndrome type 3. Last evaluated: 2018-03-06. Review status: criteria provided, single submitter. Criteria: ICSL Variant Classification Criteria 13 December 2019. Collection method: clinical testing. Allele origin: germline.
Comment: This variant was observed in the ICSL laboratory as part of a predisposition screen in an ostensibly healthy population. It had not been previously curated by ICSL or reported in the Human Gene Mutation Database (HGMD: prior to June 1st, 2018), and was therefore a candidate for classification through an automated scoring system. Utilizing variant allele frequency, disease prevalence and penetrance estimates, and inheritance mode, an automated score was calculated to assess if this variant is too frequent to cause the disease. Based on the score and internal cut-off values, a variant classified as benign is not then subjected to further curation. The score for this variant resulted in a classification of benign for this disease.

Genome Diagnostics Laboratory, University Medical Center Utrecht
Classification: Benign for Hyper-IgM syndrome type 3. Last evaluated: 2017-07-28. Review status: criteria provided, single submitter. Criteria: ACGS Guidelines, 2013. Collection method: clinical testing. Allele origin: germline. Affected: yes. Study: VKGL Data-share Consensus.

Mayo Clinic Laboratories, Mayo Clinic
Classification: Benign. Last evaluated: 2016-09-26. Review status: criteria provided, single submitter. Criteria: ACMG Guidelines, 2015. Collection method: clinical testing. Allele origin: germline. Observed: 103 variant alleles.

Laboratory for Molecular Medicine, Mass General Brigham Personalized Medicine
Classification: Benign. Last evaluated: 2016-03-28. Review status: criteria provided, single submitter. Criteria: LMM Criteria. Collection method: clinical testing. Allele origin: germline.
Comment: Variant identified in a genome or exome case(s) and assessed due to predicted null impact of the variant or pathogenic assertions in the literature or databases. Disclaimer: This variant has not undergone full assessment. The following are preliminary notes: Frequency

GeneDx
Classification: Benign. Last evaluated: 2015-03-03. Review status: criteria provided, single submitter. Criteria: GeneDx Variant Classification Process June 2021. Collection method: clinical testing. Allele origin: germline. Affected: yes.
Comment: This variant is associated with the following publications: (PMID: 20137882, 18287517, 20127135, 21091218, 17344890, 20473910, 23669336, 18097708, 20634952, 24828072, 15731360, 27745838, 29780830, 31373353, 31642196, 23954880)

Breakthrough Genomics
Classification: Benign. Review status: criteria provided, single submitter. Criteria: ACMG Guidelines, 2015. Collection method: not provided. Allele origin: germline. Inheritance: Autosomal recessive inheritance. Affected: yes.

Diagnostic Laboratory, Department of Genetics, University Medical Center Groningen
Classification: Benign for Hyper-IgM syndrome type 3. Review status: no assertion criteria provided. Collection method: clinical testing. Allele origin: germline. Affected: yes. Study: VKGL Data-share Consensus. Not counted in ClinVar's aggregate classification.

Literature cited by the submitters: PubMed 18446002 (cited by Women's Health and Genetics/Laboratory Corporation of America, LabCorp); PubMed 15307939 (cited by Women's Health and Genetics/Laboratory Corporation of America, LabCorp); PubMed 15731360 (cited by Women's Health and Genetics/Laboratory Corporation of America, LabCorp); PubMed 17344890 (cited by Women's Health and Genetics/Laboratory Corporation of America, LabCorp); PubMed 14611700 (cited by Women's Health and Genetics/Laboratory Corporation of America, LabCorp); PubMed 12593727 (cited by Women's Health and Genetics/Laboratory Corporation of America, LabCorp); PubMed 15272925 (cited by Women's Health and Genetics/Laboratory Corporation of America, LabCorp); PubMed 17949264 (cited by Women's Health and Genetics/Laboratory Corporation of America, LabCorp).

NM_001250.6(CD40):c.-1T>C

Genes: CD40 (CD40 molecule; plus strand), LOC127893450 (CRISPRi-FlowFISH-validated CD40 regulatory element GRCh37_chr20:44746135-44748232; plus strand). Cytogenetic location: 20q13.12.
Variant type: single nucleotide variant.
Coding change: c.-1T>C on transcript NM_001250.6 (MANE Select); 1 bases upstream of the start codon, T replaced by C.
Molecular consequence: 5 prime UTR variant. On other transcripts: non-coding transcript variant (2).
Genome position (GRCh38, 1-based): chr20:46,118,343, T>C. VCF-style: chr20-46118343-T-C. GRCh37 (hg19) VCF-style: chr20-44746982-T-C.
Other names: c.-1T>C (NM_001302753.2, NM_001322421.2, NM_001322422.2 and 2 more transcripts).
Identifiers: ClinVar variation 338569 (VCV000338569.22), dbSNP rs1883832, ClinGen allele CA9888328.